The following is an entry in ClinVar:

ClinVar aggregate classification (germline): Uncertain significance (1 of 4 stars; one submission).

Conditions:
T-B+ severe combined immunodeficiency due to JAK3 deficiency. Also called: SCID, autosomal recessive, T-negative/B-positive type; SCID, T CELL-NEGATIVE, B CELL-POSITIVE, NK CELL-NEGATIVE. Identifiers: Orphanet 35078, MedGen C1833275, MONDO:0010938, OMIM 600802.

Allele frequency attached by ClinVar (database versions not stated): gnomAD exomes below 0.00001.
gnomAD v4.1: 1 of 1,613,900 alleles (0.000062%); highest among the groups gnomAD compares: East Asian, 0.0022%; no homozygotes.

Submission:

Labcorp Genetics (formerly Invitae), Labcorp
Classification: Uncertain significance for T-B+ severe combined immunodeficiency due to JAK3 deficiency. Last evaluated: 2022-10-25. Review status: criteria provided, single submitter. Criteria: Invitae Variant Classification Sherloc (09022015). Collection method: clinical testing. Allele origin: germline.
Comment: ClinVar contains an entry for this variant (Variation ID: 835172). This sequence change replaces leucine, which is neutral and non-polar, with isoleucine, which is neutral and non-polar, at codon 328 of the JAK3 protein (p.Leu328Ile). This variant is not present in population databases (gnomAD no frequency). This variant has not been reported in the literature in individuals affected with JAK3-related conditions. Algorithms developed to predict the effect of missense changes on protein structure and function are either unavailable or do not agree on the potential impact of this missense change (SIFT: "Tolerated"; PolyPhen-2: "Possibly Damaging"; Align-GVGD: "Class C0"). In summary, the available evidence is currently insufficient to determine the role of this variant in disease. Therefore, it has been classified as a Variant of Uncertain Significance.

NM_000215.4(JAK3):c.982T>A (p.Leu328Ile)

Gene: JAK3 (Janus kinase 3; minus strand). Cytogenetic location: 19p13.11.
Variant type: single nucleotide variant.
Coding change: c.982T>A on transcript NM_000215.4 (MANE Select); coding-DNA position 982, T replaced by A.
Protein change: p.Leu328Ile; replaces leucine 328 with isoleucine.
Molecular consequence: missense variant.
Genome position (GRCh38, 1-based): chr19:17,841,642, A>T on the plus strand (T>A on the coding strand, the complement: JAK3 is on the minus strand). VCF-style: chr19-17841642-A-T. GRCh37 (hg19) VCF-style: chr19-17952451-A-T.
Other names: short protein forms L328I.
Identifiers: ClinVar variation 835172 (VCV000835172.9), dbSNP rs1418117194, ClinGen allele CA404771759.